The following is an entry in ClinVar:

NM_001365276.2(TNXB):c.10046-4C>T

Gene: TNXB (tenascin XB; minus strand). Cytogenetic location: 6p21.33.
Variant type: single nucleotide variant.
Coding change: c.10046-4C>T on transcript NM_001365276.2 (MANE Select); 4 bases into the intron before coding-DNA position 10046, C replaced by T.
Molecular consequence: intron variant.
Genome position (GRCh38, 1-based): chr6:32,048,016, G>A on the plus strand (C>T on the coding strand, the complement: TNXB is on the minus strand). VCF-style: chr6-32048016-G-A. GRCh37 (hg19) VCF-style: chr6-32015793-G-A.
Other names: p.?; c.10040-4C>T (NM_019105.8).
Identifiers: ClinVar variation 809896 (VCV000809896.56), dbSNP rs41267134, ClinGen allele CA3733316.

ClinVar aggregate classification (germline): Benign/Likely benign. Review status: criteria provided, multiple submitters, no conflicts (2 of 4 stars). 9 submissions from 9 submitters: Benign (2); Likely benign (6). 1 of the submissions does not count toward it. Last evaluated 2026-06-01.

Conditions:
Ehlers-Danlos syndrome (EDS). Identifiers: Orphanet 98249, MedGen C0013720, MONDO:0020066.
TNXB-related disorder. Also called: TNXB-related condition.
Cardiovascular phenotype. Identifiers: MedGen CN230736.

Allele frequency attached by ClinVar (database versions not stated): 1000 Genomes Project 30x 0.00062; 1000 Genomes Project 0.00080; gnomAD exomes 0.00112 and 0.00200; ExAC 0.00116; gnomAD 0.00138 and 0.00141; TOPMed 0.00142; ESP Exome Variant Server 0.00161.
gnomAD v4.1: 3,090 of 1,606,612 alleles (0.19%); highest among the groups gnomAD compares: Non-Finnish European, 0.24%; 6 homozygotes.

Submissions (9):

CeGaT Center for Human Genetics Tuebingen
Classification: Likely benign. Last evaluated: 2026-06-01. Review status: criteria provided, single submitter. Criteria: CeGaT Center For Human Genetics Tuebingen Variant Classification Criteria Version 2. Collection method: clinical testing. Allele origin: germline. Affected: yes. Observed: 7 variant alleles.
Comment: TNXB: BP4

Labcorp Genetics (formerly Invitae), Labcorp
Classification: Benign. Last evaluated: 2026-01-28. Review status: criteria provided, single submitter. Criteria: Invitae Variant Classification Sherloc (09022015). Collection method: clinical testing. Allele origin: germline.

Mayo Clinic Laboratories, Mayo Clinic
Classification: Likely benign. Last evaluated: 2024-12-04. Review status: criteria provided, single submitter. Criteria: ACMG Guidelines, 2015. Collection method: clinical testing. Allele origin: germline. Observed: 10 variant alleles.
Comment: BS1, BP4, BP7

Blueprint Genetics
Classification: Likely benign. Last evaluated: 2024-11-23. Review status: criteria provided, single submitter. Criteria: ACMG Guidelines, 2015. Collection method: clinical testing. Allele origin: germline.

Women's Health and Genetics/Laboratory Corporation of America, LabCorp
Classification: Benign. Last evaluated: 2023-08-22. Review status: criteria provided, single submitter. Criteria: LabCorp Variant Classification Summary - May 2015. Collection method: clinical testing. Allele origin: germline.
Comment: Variant summary: TNXB c.10040-4C>T alters a non-conserved nucleotide located close to a canonical splice site and therefore could affect mRNA splicing, leading to a significantly altered protein sequence. 4/4 computational tools predict no significant impact on normal splicing. However, these predictions have yet to be confirmed by functional studies. The variant allele was found at a frequency of 0.0011 in 243578 control chromosomes, predominantly at a frequency of 0.002 within the Non-Finnish European subpopulation in the gnomAD database. The observed variant frequency within Non-Finnish European control individuals in the gnomAD database is approximately 2 fold of the estimated maximal expected allele frequency for a pathogenic variant in TNXB causing Ehlers-Danlos-like syndrome phenotype (0.0011), strongly suggesting that the variant is a benign polymorphism found primarily in populations of Non-Finnish European origin. c.10040-4C>T has been reported in the literature in an individual affected with vesicoureteric reflux (example: Tokhmafshan_2020). This report does not provide unequivocal conclusions about association of the variant with Ehlers-Danlos-like syndrome. To our knowledge, no experimental evidence demonstrating an impact on protein function has been reported. The following publication has been ascertained in the context of this evaluation (PMID: 31702543). Four submitters have cited clinical-significance assessments for this variant to ClinVar after 2014 and classified the variant as likely benign (n=3) and VUS (n=1). Based on the evidence outlined above, the variant was classified as benign.

Genome Diagnostics Laboratory, The Hospital for Sick Children
Classification: Likely benign for Ehlers-Danlos syndrome. Last evaluated: 2021-03-19. Review status: criteria provided, single submitter. Criteria: ACMG Guidelines, 2015. Collection method: clinical testing. Allele origin: germline.

GeneDx
Classification: Likely benign. Last evaluated: 2020-12-16. Review status: criteria provided, single submitter. Criteria: GeneDx Variant Classification Process June 2021. Collection method: clinical testing. Allele origin: germline. Affected: yes.

Ambry Genetics
Classification: Likely benign for Cardiovascular phenotype. Last evaluated: 2019-09-26. Review status: criteria provided, single submitter. Criteria: Ambry Variant Classification Scheme 2023. Collection method: clinical testing. Allele origin: germline.

PreventionGenetics, part of Exact Sciences
Classification: Likely benign for TNXB-related condition. Last evaluated: 2020-01-09. Review status: no assertion criteria provided. Collection method: clinical testing. Allele origin: germline. Not counted in ClinVar's aggregate classification.
Comment: This variant is classified as likely benign based on ACMG/AMP sequence variant interpretation guidelines (Richards et al. 2015 PMID: 25741868, with internal and published modifications).

Literature cited by the submitters: PubMed 31702543 (cited by Mayo Clinic Laboratories, Mayo Clinic and Women's Health and Genetics/Laboratory Corporation of America, LabCorp).